The following is an entry in ClinVar:

NM_001458.5(FLNC):c.7252-282CA[2]

Genes: FLNC (filamin C; plus strand), FLNC-AS1 (FLNC antisense RNA 1; minus strand). Cytogenetic location: 7q32.1.
Variant type: Microsatellite.
Coding change: c.7252-282CA[2] on transcript NM_001458.5 (MANE Select); two copies in a row of the 2-base unit CA starting at c.7252-282; the reference has three copies in a row; one copy, 2 bases deleted.
Molecular consequence: intron variant.
Genome position (GRCh38, 1-based): chr7:128,856,240-128,856,241, CA deleted; deleting any 2 consecutive bases within chr7:128,856,236-128,856,241 gives the same sequence; the position shown is the placement nearest the transcript's 3' end. VCF-style (leftmost placement, unchanged base first): chr7-128856235-TCA-T. GRCh37 (hg19) VCF-style: chr7-128496289-TCA-T.
Other names: c.7153-282CA[2] (NM_001127487.2).
Identifiers: ClinVar variation 672941 (VCV000672941.1), dbSNP rs142631142, ClinGen allele CA166194345.

ClinVar aggregate classification (germline): Benign (1 of 4 stars; one submission).

Submission:

GeneDx
Classification: Benign. Last evaluated: 2018-06-14. Review status: criteria provided, single submitter. Criteria: GeneDx Variant Classification (06012015). Collection method: clinical testing. Allele origin: germline. Affected: yes.
Comment: This variant is considered likely benign or benign based on one or more of the following criteria: it is a conservative change, it occurs at a poorly conserved position in the protein, it is predicted to be benign by multiple in silico algorithms, and/or has population frequency not consistent with disease.